The following is an entry in ClinVar:

ClinVar aggregate classification (germline): Uncertain significance (1 of 4 stars; one submission).

Conditions:
Tuberous sclerosis 2 (TSC2). Identifiers: Orphanet 805, MedGen C1860707, MONDO:0013199, OMIM 613254.

Allele frequency attached by ClinVar (database versions not stated): gnomAD exomes below 0.00001.
gnomAD v4.1: 1 of 1,612,540 alleles (0.000062%); highest among the groups gnomAD compares: Non-Finnish European, 0.000085%; no homozygotes.

Submission:

Labcorp Genetics (formerly Invitae), Labcorp
Classification: Uncertain significance for Tuberous sclerosis 2. Last evaluated: 2024-12-18. Review status: criteria provided, single submitter. Criteria: Invitae Variant Classification Sherloc (09022015). Collection method: clinical testing. Allele origin: germline.
Comment: This sequence change replaces cysteine, which is neutral and slightly polar, with tyrosine, which is neutral and polar, at codon 800 of the TSC2 protein (p.Cys800Tyr). This variant is not present in population databases (gnomAD no frequency). This variant has not been reported in the literature in individuals affected with TSC2-related conditions. ClinVar contains an entry for this variant (Variation ID: 406043). Invitae Evidence Modeling of protein sequence and biophysical properties (such as structural, functional, and spatial information, amino acid conservation, physicochemical variation, residue mobility, and thermodynamic stability) has been performed for this missense variant. However, the output from this modeling did not meet the statistical confidence thresholds required to predict the impact of this variant on TSC2 protein function. In summary, the available evidence is currently insufficient to determine the role of this variant in disease. Therefore, it has been classified as a Variant of Uncertain Significance.

NM_000548.5(TSC2):c.2399G>A (p.Cys800Tyr)

Gene: TSC2 (TSC complex subunit 2; plus strand). Cytogenetic location: 16p13.3.
Variant type: single nucleotide variant.
Coding change: c.2399G>A on transcript NM_000548.5 (MANE Select); coding-DNA position 2399, G replaced by A.
Protein change: p.Cys800Tyr; replaces cysteine 800 with tyrosine.
Molecular consequence: missense variant.
Genome position (GRCh38, 1-based): chr16:2,074,243, G>A. VCF-style: chr16-2074243-G-A. GRCh37 (hg19) VCF-style: chr16-2124244-G-A.
Other names: c.2399G>A, p.Cys800Tyr (NM_001077183.3, NM_001114382.3, NM_001363528.2 and 3 more transcripts); c.2288G>A, p.Cys763Tyr (NM_001318827.2); c.2252G>A, p.Cys751Tyr (NM_001318829.2); c.1799G>A, p.Cys600Tyr (NM_001318831.2); c.2432G>A, p.Cys811Tyr (NM_001318832.2); short protein forms C800Y, C763Y, C811Y, C600Y, C751Y.
Identifiers: ClinVar variation 406043 (VCV000406043.8), dbSNP rs746044783, ClinGen allele CA16615075.